The following is an entry in ClinVar:

NM_007347.5(AP4E1):c.42A>G (p.Gly14=)

Gene: AP4E1 (adaptor related protein complex 4 subunit epsilon 1; plus strand). Cytogenetic location: 15q21.2.
Variant type: single nucleotide variant.
Coding change: c.42A>G on transcript NM_007347.5 (MANE Select); coding-DNA position 42, A replaced by G.
Protein change: p.Gly14=; no amino-acid change (glycine 14 retained).
Molecular consequence: synonymous variant. On other transcripts: 5 prime UTR variant (1).
Genome position (GRCh38, 1-based): chr15:50,908,820, A>G. VCF-style: chr15-50908820-A-G. GRCh37 (hg19) VCF-style: chr15-51201017-A-G.
Other names: c.-207A>G (NM_001252127.2); c.42A>G (NM_007347.4).
Identifiers: ClinVar variation 434230 (VCV000434230.15), dbSNP rs143027953, ClinGen allele CA7558625.
Genomic context (GRCh38, chr15:50,908,820, plus strand): 5'-ATCGCGGGCGGCGGCGGCGATGAGCGACATAGTGGAGAAGACGCTGACGGCGCTGCCGGG[A>G]CTCTTTCTGCAGAACCAGCCCGGTGGTGGGCCCGCGGCCGCCAAGGCGTCCTTCTCCTCG-3'
Protein context (NP_031373.2, residues 4-24): IVEKTLTALP[Gly14=]LFLQNQPGGG

ClinVar aggregate classification (germline): Likely benign. Review status: criteria provided, multiple submitters, no conflicts (2 of 4 stars). 4 submissions from 4 submitters: Likely benign (3). 1 of the submissions does not count toward it. Last evaluated 2024-04-08.

Conditions:
AP4E1-related disorder. Also called: AP4E1-related condition.
Spastic paraplegia. Identifiers: MedGen C0037772, HP:0001258.

Allele frequency attached by ClinVar (database versions not stated): ExAC 0.00004; gnomAD 0.00005; gnomAD exomes 0.00005 and 0.00017; TOPMed 0.00005; ESP Exome Variant Server 0.00023.
gnomAD v4.1: 254 of 1,604,870 alleles (0.016%); highest among the groups gnomAD compares: Non-Finnish European, 0.021%; no homozygotes.

Submissions (4):

Blueprint Genetics
Classification: Likely benign. Last evaluated: 2024-04-08. Review status: criteria provided, single submitter. Criteria: ACMG Guidelines, 2015. Collection method: clinical testing. Allele origin: germline.

Labcorp Genetics (formerly Invitae), Labcorp
Classification: Likely benign for Spastic paraplegia. Last evaluated: 2022-03-20. Review status: criteria provided, single submitter. Criteria: Invitae Variant Classification Sherloc (09022015). Collection method: clinical testing. Allele origin: germline.

Genetic Services Laboratory, University of Chicago
Classification: Likely benign. Last evaluated: 2015-11-17. Review status: criteria provided, single submitter. Criteria: ACMG Guidelines, 2015. Collection method: clinical testing. Allele origin: germline. Affected: no.

PreventionGenetics, part of Exact Sciences
Classification: Likely benign for AP4E1-related condition. Last evaluated: 2019-11-06. Review status: no assertion criteria provided. Collection method: clinical testing. Allele origin: germline. Not counted in ClinVar's aggregate classification.
Comment: This variant is classified as likely benign based on ACMG/AMP sequence variant interpretation guidelines (Richards et al. 2015 PMID: 25741868, with internal and published modifications).